The following is an entry in ClinVar:

NM_031418.4(ANO3):c.2651A>T (p.Tyr884Phe)

Gene: ANO3 (anoctamin 3; plus strand). Cytogenetic location: 11p14.2.
Variant type: single nucleotide variant.
Coding change: c.2651A>T on transcript NM_031418.4 (MANE Select); coding-DNA position 2651, A replaced by T.
Protein change: p.Tyr884Phe; replaces tyrosine 884 with phenylalanine.
Molecular consequence: missense variant.
Genome position (GRCh38, 1-based): chr11:26,656,199, A>T. VCF-style: chr11-26656199-A-T. GRCh37 (hg19) VCF-style: chr11-26677746-A-T.
Other names: c.2834A>T, p.Tyr945Phe (NM_001313726.2); c.2213A>T, p.Tyr738Phe (NM_001313727.2); short protein forms Y738F, Y884F, Y945F.
Identifiers: ClinVar variation 4800402 (VCV004800402.1).

ClinVar aggregate classification (germline): Uncertain significance (1 of 4 stars; one submission).

Conditions:
Dystonic disorder. Also called: Dystonia. Identifiers: MedGen C0013421, MONDO:0003441, HP:0001332.

Submission:

Labcorp Genetics (formerly Invitae), Labcorp
Classification: Uncertain significance for Dystonic disorder. Last evaluated: 2025-07-15. Review status: criteria provided, single submitter. Criteria: Invitae Variant Classification Sherloc (09022015). Collection method: clinical testing. Allele origin: germline.
Comment: This sequence change replaces tyrosine, which is neutral and polar, with phenylalanine, which is neutral and non-polar, at codon 884 of the ANO3 protein (p.Tyr884Phe). This variant is not present in population databases (gnomAD no frequency). This variant has not been reported in the literature in individuals affected with ANO3-related conditions. Invitae Evidence Modeling of protein sequence and biophysical properties (such as structural, functional, and spatial information, amino acid conservation, physicochemical variation, residue mobility, and thermodynamic stability) indicates that this missense variant is not expected to disrupt ANO3 protein function with a negative predictive value of 95%. In summary, the available evidence is currently insufficient to determine the role of this variant in disease. Therefore, it has been classified as a Variant of Uncertain Significance.